The following is an entry in ClinVar:

NM_002968.3(SALL1):c.3617T>C (p.Leu1206Pro)

Gene: SALL1 (spalt like transcription factor 1; minus strand). Cytogenetic location: 16q12.1.
Variant type: single nucleotide variant.
Coding change: c.3617T>C on transcript NM_002968.3 (MANE Select); coding-DNA position 3617, T replaced by C.
Protein change: p.Leu1206Pro; replaces leucine 1206 with proline.
Molecular consequence: missense variant.
Genome position (GRCh38, 1-based): chr16:51,137,470, A>G on the plus strand (T>C on the coding strand, the complement: SALL1 is on the minus strand). VCF-style: chr16-51137470-A-G. GRCh37 (hg19) VCF-style: chr16-51171381-A-G.
Other names: c.3326T>C, p.Leu1109Pro (NM_001127892.2); short protein forms L1109P, L1206P.
Identifiers: ClinVar variation 2965607 (VCV002965607.3), dbSNP rs573638901, ClinGen allele CA8052866.

ClinVar aggregate classification (germline): Uncertain significance (1 of 4 stars; one submission).

Conditions:
Townes syndrome (TBS). Also called: Townes-Brocks syndrome. Identifiers: Orphanet 857, MedGen C0265246, MeSH C536974, MONDO:0007142.

Allele frequency attached by ClinVar (database versions not stated): ExAC 0.00001; gnomAD 0.00001; gnomAD exomes 0.00001; TOPMed 0.00001; 1000 Genomes Project 30x 0.00016; 1000 Genomes Project 0.00020.

Submission:

Labcorp Genetics (formerly Invitae), Labcorp
Classification: Uncertain significance for Townes syndrome. Last evaluated: 2024-01-22. Review status: criteria provided, single submitter. Criteria: Invitae Variant Classification Sherloc (09022015). Collection method: clinical testing. Allele origin: germline.
Comment: This sequence change replaces leucine, which is neutral and non-polar, with proline, which is neutral and non-polar, at codon 1206 of the SALL1 protein (p.Leu1206Pro). This variant is present in population databases (rs573638901, gnomAD 0.01%). This variant has not been reported in the literature in individuals affected with SALL1-related conditions. This missense change has been observed in at least one individual who was not affected with SALL1-related conditions (Invitae). An algorithm developed to predict the effect of missense changes on protein structure and function (PolyPhen-2) suggests that this variant is likely to be tolerated. In summary, the available evidence is currently insufficient to determine the role of this variant in disease. Therefore, it has been classified as a Variant of Uncertain Significance.